The following is an entry in ClinVar:

ClinVar aggregate classification (germline): Uncertain significance (1 of 4 stars; one submission).

Submission:

Labcorp Genetics (formerly Invitae), Labcorp
Classification: Uncertain significance. Last evaluated: 2025-03-05. Review status: criteria provided, single submitter. Criteria: Invitae Variant Classification Sherloc (09022015). Collection method: clinical testing. Allele origin: germline.
Comment: This sequence change replaces leucine, which is neutral and non-polar, with arginine, which is basic and polar, at codon 1435 of the LRP5 protein (p.Leu1435Arg). This variant is not present in population databases (gnomAD no frequency). This variant has not been reported in the literature in individuals affected with LRP5-related conditions. Invitae Evidence Modeling of protein sequence and biophysical properties (such as structural, functional, and spatial information, amino acid conservation, physicochemical variation, residue mobility, and thermodynamic stability) indicates that this missense variant is not expected to disrupt LRP5 protein function with a negative predictive value of 95%. In summary, the available evidence is currently insufficient to determine the role of this variant in disease. Therefore, it has been classified as a Variant of Uncertain Significance.

NM_002335.4(LRP5):c.4304T>G (p.Leu1435Arg)

Gene: LRP5 (LDL receptor related protein 5; plus strand). Cytogenetic location: 11q13.2.
Variant type: single nucleotide variant.
Coding change: c.4304T>G on transcript NM_002335.4 (MANE Select); coding-DNA position 4304, T replaced by G.
Protein change: p.Leu1435Arg; replaces leucine 1435 with arginine.
Molecular consequence: missense variant.
Genome position (GRCh38, 1-based): chr11:68,438,638, T>G. VCF-style: chr11-68438638-T-G. GRCh37 (hg19) VCF-style: chr11-68206106-T-G.
Other names: c.2561T>G, p.Leu854Arg (NM_001291902.2); short protein forms L1435R, L854R.
Identifiers: ClinVar variation 4800468 (VCV004800468.1).